The following is an entry in ClinVar:

NM_000540.3(RYR1):c.8457G>C (p.Trp2819Cys)

Genes: RYR1 (ryanodine receptor 1; plus strand), LOC126862902 (BRD4-independent group 4 enhancer GRCh37_chr19:38995830-38997029; plus strand). Cytogenetic location: 19q13.2.
Variant type: single nucleotide variant.
Coding change: c.8457G>C on transcript NM_000540.3 (MANE Select); coding-DNA position 8457, G replaced by C.
Protein change: p.Trp2819Cys; replaces tryptophan 2819 with cysteine.
Molecular consequence: missense variant.
Genome position (GRCh38, 1-based): chr19:38,505,862, G>C. VCF-style: chr19-38505862-G-C. GRCh37 (hg19) VCF-style: chr19-38996502-G-C.
Other names: c.8457G>C, p.Trp2819Cys (NM_001042723.2); short protein forms W2819C.
Identifiers: ClinVar variation 1450391 (VCV001450391.8), dbSNP rs1364291366, ClinGen allele CA405678670.
Genomic context (GRCh38, chr19:38,505,862, plus strand): 5'-CCAGGACAAAGAGATTTACCGCTGGCCCATCAAGGAGTCCCTGAAGGCCATGATTGCCTG[G>C]GAATGGACGATAGAGAAGGCCAGGGAGGGTGAGGAGGAGAAGACGGAAAAGAAAAAAACG-3'
Protein context (NP_000531.2, residues 2809-2829): IKESLKAMIA[Trp2819Cys]EWTIEKAREG

ClinVar aggregate classification (germline): Uncertain significance (1 of 4 stars; one submission).

Conditions:
RYR1-related disorder. Also called: RYR1-related condition; RYR1-related disorders. Identifiers: MedGen CN239331.

Allele frequency attached by ClinVar (database versions not stated): TOPMed 0.00001.
gnomAD v4.1: 2 of 1,614,142 alleles (0.00012%); highest among the groups gnomAD compares: Non-Finnish European, 0.000085%; no homozygotes.

Submission:

Labcorp Genetics (formerly Invitae), Labcorp
Classification: Uncertain significance for RYR1-related disorder. Last evaluated: 2025-08-18. Review status: criteria provided, single submitter. Criteria: Invitae Variant Classification Sherloc (09022015). Collection method: clinical testing. Allele origin: germline.
Comment: This sequence change replaces tryptophan, which is neutral and slightly polar, with cysteine, which is neutral and slightly polar, at codon 2819 of the RYR1 protein (p.Trp2819Cys). This variant is not present in population databases (gnomAD no frequency). This variant has not been reported in the literature in individuals affected with RYR1-related conditions. ClinVar contains an entry for this variant (Variation ID: 1450391). Invitae Evidence Modeling of protein sequence and biophysical properties (such as structural, functional, and spatial information, amino acid conservation, physicochemical variation, residue mobility, and thermodynamic stability) indicates that this missense variant is not expected to disrupt RYR1 protein function with a negative predictive value of 80%. In summary, the available evidence is currently insufficient to determine the role of this variant in disease. Therefore, it has been classified as a Variant of Uncertain Significance.